The following is an entry in ClinVar:

NM_000088.4(COL1A1):c.4213C>T (p.Arg1405Cys)

Gene: COL1A1 (collagen type I alpha 1 chain; minus strand). Cytogenetic location: 17q21.33.
Variant type: single nucleotide variant.
Coding change: c.4213C>T on transcript NM_000088.4 (MANE Select); coding-DNA position 4213, C replaced by T.
Protein change: p.Arg1405Cys; replaces arginine 1405 with cysteine.
Molecular consequence: missense variant.
Genome position (GRCh38, 1-based): chr17:50,185,813, G>A on the plus strand (C>T on the coding strand, the complement: COL1A1 is on the minus strand). VCF-style: chr17-50185813-G-A. GRCh37 (hg19) VCF-style: chr17-48263174-G-A.
Other names: short protein forms R1405C.
Identifiers: ClinVar variation 1163607 (VCV001163607.8), dbSNP rs1279465588, ClinGen allele CA400191518.
Genomic context (GRCh38, chr17:50,185,813, plus strand): 5'-CTGCCTGGGGATTCTGGGCACTCACCGTGCAGCCATCGACAGTGACGCTGTAGGTGAAGC[G>A]GCTGTTGCCCTCGGCGCGGATCTCGATCTCGTTGGAGCCCTGGAGGAGCAGGGCCTTCTT-3'
Protein context (NP_000079.2, residues 1395-1415): EIEIRAEGNS[Arg1405Cys]FTYSVTVDGC

ClinVar aggregate classification (germline): Conflicting classifications of pathogenicity. Review status: criteria provided, conflicting classifications (1 of 4 stars). 3 submissions from 3 submitters: Likely pathogenic (1); Uncertain significance (2). Last evaluated 2025-10-12.

Conditions:
Osteogenesis imperfecta type I (OI1). Also called: OI, TYPE I; OSTEOGENESIS IMPERFECTA TARDA; OSTEOGENESIS IMPERFECTA WITH BLUE SCLERAE; Osteogenesis imperfecta type 1; Lobstein disease; Lobstein's Disease. Identifiers: Orphanet 216796, Orphanet 666, MedGen C0023931, MONDO:0008146, OMIM 166200. Disease mechanism: loss of function.

Allele frequency attached by ClinVar (database versions not stated): gnomAD exomes below 0.00001; TOPMed below 0.00001; gnomAD 0.00001.
gnomAD v4.1: 3 of 1,613,956 alleles (0.00019%); highest among the groups gnomAD compares: East Asian, 0.0022%; no homozygotes.

Submissions (3):

Labcorp Genetics (formerly Invitae), Labcorp
Classification: Uncertain significance for Osteogenesis imperfecta type I. Last evaluated: 2025-10-12. Review status: criteria provided, single submitter. Criteria: Invitae Variant Classification Sherloc (09022015). Collection method: clinical testing. Allele origin: germline.
Comment: This sequence change replaces arginine, which is basic and polar, with cysteine, which is neutral and slightly polar, at codon 1405 of the COL1A1 protein (p.Arg1405Cys). This variant is present in population databases (no rsID available, gnomAD 0.005%). This variant has not been reported in the literature in individuals affected with COL1A1-related conditions. ClinVar contains an entry for this variant (Variation ID: 1163607). Invitae Evidence Modeling of protein sequence and biophysical properties (such as structural, functional, and spatial information, amino acid conservation, physicochemical variation, residue mobility, and thermodynamic stability) indicates that this missense variant is expected to disrupt COL1A1 protein function with a positive predictive value of 80%. In summary, the available evidence is currently insufficient to determine the role of this variant in disease. Therefore, it has been classified as a Variant of Uncertain Significance.

Mayo Clinic Laboratories, Mayo Clinic
Classification: Likely pathogenic. Last evaluated: 2025-09-10. Review status: criteria provided, single submitter. Criteria: ACMG Guidelines, 2015. Collection method: clinical testing. Allele origin: germline. Observed: 2 variant alleles.
Comment: PP3_moderate, PM1_strong, PM2_supporting

Blueprint Genetics
Classification: Uncertain significance. Last evaluated: 2022-09-27. Review status: criteria provided, single submitter. Criteria: ACMG Guidelines, 2015. Collection method: clinical testing. Allele origin: germline.

Literature cited by the submitters: PubMed 17550969 (cited by Mayo Clinic Laboratories, Mayo Clinic).